The following is an entry in ClinVar:

ClinVar aggregate classification (germline): Uncertain significance (1 of 4 stars; one submission).

Conditions:
Ehlers-Danlos syndrome, classic type, 1 (EDSCL1). Also called: Ehlers-Danlos Syndrome, Classic Type, COL5A1-Related; EHLERS-DANLOS SYNDROME, GRAVIS TYPE; EHLERS-DANLOS SYNDROME, SEVERE CLASSIC TYPE; Ehlers-Danlos syndrome, type 1; EDS I. Identifiers: MedGen C0268335, MONDO:0019567, OMIM 130000.

Allele frequency attached by ClinVar (database versions not stated): TOPMed 0.00001; gnomAD 0.00001; gnomAD exomes below 0.00001.
gnomAD v4.1: 3 of 1,612,382 alleles (0.00019%); highest among the groups gnomAD compares: East Asian, 0.0067%; no homozygotes.

Submission:

Labcorp Genetics (formerly Invitae), Labcorp
Classification: Uncertain significance for Ehlers-Danlos syndrome, classic type, 1. Last evaluated: 2024-12-12. Review status: criteria provided, single submitter. Criteria: Invitae Variant Classification Sherloc (09022015). Collection method: clinical testing. Allele origin: germline.
Comment: This sequence change falls in intron 30 of the COL5A2 gene. It does not directly change the encoded amino acid sequence of the COL5A2 protein. It affects a nucleotide within the consensus splice site. This variant is present in population databases (no rsID available, gnomAD 0.02%). This variant has not been reported in the literature in individuals affected with COL5A2-related conditions. ClinVar contains an entry for this variant (Variation ID: 2176765). Variants that disrupt the consensus splice site are a relatively common cause of aberrant splicing (PMID: 17576681, 9536098). Algorithms developed to predict the effect of sequence changes on RNA splicing suggest that this variant may disrupt the consensus splice site. In summary, the available evidence is currently insufficient to determine the role of this variant in disease. Therefore, it has been classified as a Variant of Uncertain Significance.

Literature cited by the submitters: PubMed 17576681; PubMed 9536098.

NM_000393.5(COL5A2):c.2032-3T>G

Gene: COL5A2 (collagen type V alpha 2 chain; minus strand). Cytogenetic location: 2q32.2.
Variant type: single nucleotide variant.
Coding change: c.2032-3T>G on transcript NM_000393.5 (MANE Select); 3 bases into the intron before coding-DNA position 2032, T replaced by G.
Molecular consequence: intron variant.
Genome position (GRCh38, 1-based): chr2:189,060,786, A>C on the plus strand (T>G on the coding strand, the complement: COL5A2 is on the minus strand). VCF-style: chr2-189060786-A-C. GRCh37 (hg19) VCF-style: chr2-189925512-A-C.
Identifiers: ClinVar variation 2176765 (VCV002176765.2), dbSNP rs1199275638, ClinGen allele CA538453733.